The following is an entry in ClinVar:

NM_000426.4(LAMA2):c.7088C>T (p.Thr2363Ile)

Gene: LAMA2 (laminin subunit alpha 2; plus strand). Cytogenetic location: 6q22.33.
Variant type: single nucleotide variant.
Coding change: c.7088C>T on transcript NM_000426.4 (MANE Select); coding-DNA position 7088, C replaced by T.
Protein change: p.Thr2363Ile; replaces threonine 2363 with isoleucine.
Molecular consequence: missense variant.
Genome position (GRCh38, 1-based): chr6:129,464,385, C>T. VCF-style: chr6-129464385-C-T. GRCh37 (hg19) VCF-style: chr6-129785530-C-T.
Other names: c.7088C>T, p.Thr2363Ile (NM_001079823.2); short protein forms T2363I.
Identifiers: ClinVar variation 435714 (VCV000435714.27), dbSNP rs371403343, ClinGen allele CA3994438.

ClinVar aggregate classification (germline): Conflicting classifications of pathogenicity. Review status: criteria provided, conflicting classifications (1 of 4 stars). 6 submissions from 6 submitters: Uncertain significance (4); Likely benign (1). 1 of the submissions does not count toward it. Last evaluated 2026-01-19.

Conditions:
Merosin deficient congenital muscular dystrophy (MDC1A). Also called: Congenital merosin-deficient muscular dystrophy 1A; Congenital Muscular Dystrophy Type 1A (MDC1A). Identifiers: Orphanet 258, MedGen C1263858, MONDO:0011925, OMIM 607855.
Muscular dystrophy, limb-girdle, autosomal recessive 23. Identifiers: Orphanet 565837, MedGen C4748327, MONDO:0029136, OMIM 618138.
LAMA2-related disorder. Also called: LAMA2-related disorders; LAMA2-related condition.
LAMA2-related muscular dystrophy (LAMA2-RD). Also called: Laminin alpha 2-related dystrophy. Identifiers: MedGen C5679788, MONDO:0100228.

Allele frequency attached by ClinVar (database versions not stated): ExAC 0.00005; ESP Exome Variant Server 0.00008; gnomAD exomes 0.00008 and 0.00043; TOPMed 0.00013; gnomAD 0.00015 and 0.00017.
gnomAD v4.1: 643 of 1,611,880 alleles (0.04%); highest among the groups gnomAD compares: Non-Finnish European, 0.053%; no homozygotes.

Submissions (6):

Labcorp Genetics (formerly Invitae), Labcorp
Classification: Likely benign for LAMA2-related muscular dystrophy. Last evaluated: 2026-01-19. Review status: criteria provided, single submitter. Criteria: Invitae Variant Classification Sherloc (09022015). Collection method: clinical testing. Allele origin: germline.

Revvity Omics, Revvity
Classification: Uncertain significance. Last evaluated: 2025-07-29. Review status: criteria provided, single submitter. Criteria: ACMG Guidelines, 2015. Collection method: clinical testing. Allele origin: germline.

Mayo Clinic Laboratories, Mayo Clinic
Classification: Uncertain significance. Last evaluated: 2020-07-30. Review status: criteria provided, single submitter. Criteria: ACMG Guidelines, 2015. Collection method: clinical testing. Allele origin: germline. Observed: 1 variant allele.

Fulgent Genetics
Classification: Uncertain significance for Merosin deficient congenital muscular dystrophy; Muscular dystrophy, limb-girdle, autosomal recessive 23. Last evaluated: 2018-10-31. Review status: criteria provided, single submitter. Criteria: ACMG Guidelines, 2015. Collection method: clinical testing. Allele origin: unknown.

Genetic Services Laboratory, University of Chicago
Classification: Uncertain significance. Last evaluated: 2016-10-11. Review status: criteria provided, single submitter. Criteria: ACMG Guidelines, 2015. Collection method: clinical testing. Allele origin: germline. Affected: no.

PreventionGenetics, part of Exact Sciences
Classification: Uncertain significance for LAMA2-related condition. Last evaluated: 2024-02-07. Review status: no assertion criteria provided. Collection method: clinical testing. Allele origin: germline. Not counted in ClinVar's aggregate classification.
Comment: The LAMA2 c.7088C>T variant is predicted to result in the amino acid substitution p.Thr2363Ile. This variant was reported in an individual with dilated cardiomyopathy (Table S3, Mazzarotto et al. 2020. PubMed ID: 31983221). This variant is reported in 0.019% of alleles in individuals of European (Non-Finnish) descent in gnomAD. At this time, the clinical significance of this variant is uncertain due to the absence of conclusive functional and genetic evidence.